The following is an entry in ClinVar:

NM_003803.4(MYOM1):c.161A>G (p.His54Arg)

Gene: MYOM1 (myomesin 1; minus strand). Cytogenetic location: 18p11.31.
Variant type: single nucleotide variant.
Coding change: c.161A>G on transcript NM_003803.4 (MANE Select); coding-DNA position 161, A replaced by G.
Protein change: p.His54Arg; replaces histidine 54 with arginine.
Molecular consequence: missense variant.
Genome position (GRCh38, 1-based): chr18:3,215,063, T>C on the plus strand (A>G on the coding strand, the complement: MYOM1 is on the minus strand). VCF-style: chr18-3215063-T-C. GRCh37 (hg19) VCF-style: chr18-3215061-T-C.
Other names: c.161A>G, p.His54Arg (NM_019856.2); short protein forms H54R.
Identifiers: ClinVar variation 1776561 (VCV001776561.2), dbSNP rs772298193, ClinGen allele CA8875341.

ClinVar aggregate classification (germline): Uncertain significance (1 of 4 stars; one submission).

Allele frequency attached by ClinVar (database versions not stated): ExAC 0.00001; gnomAD 0.00001; TOPMed 0.00002.
gnomAD v4.1: 22 of 1,613,312 alleles (0.0014%); highest among the groups gnomAD compares: Non-Finnish European, 0.0016%; no homozygotes.

Submission:

Ambry Genetics
Classification: Uncertain significance. Last evaluated: 2021-10-26. Review status: criteria provided, single submitter. Criteria: Ambry Variant Classification Scheme 2023. Collection method: clinical testing. Allele origin: germline.
Comment: The p.H54R variant (also known as c.161A>G), located in coding exon 1 of the MYOM1 gene, results from an A to G substitution at nucleotide position 161. The histidine at codon 54 is replaced by arginine, an amino acid with highly similar properties. This amino acid position is conserved. In addition, this alteration is predicted to be tolerated by in silico analysis. Since supporting evidence is limited at this time, the clinical significance of this alteration remains unclear.